The following is an entry in ClinVar:

ClinVar aggregate classification (germline): Uncertain significance (1 of 4 stars; one submission).

Conditions:
Atrial fibrillation, familial, 18 (ATFB18). Identifiers: MedGen C4310636, MONDO:0015001, OMIM 617280.

gnomAD v4.1: 3 of 1,614,206 alleles (0.00019%); highest among the groups gnomAD compares: South Asian, 0.0011%; no homozygotes.

Submission:

Labcorp Genetics (formerly Invitae), Labcorp
Classification: Uncertain significance for Atrial fibrillation, familial, 18. Last evaluated: 2024-09-23. Review status: criteria provided, single submitter. Criteria: Invitae Variant Classification Sherloc (09022015). Collection method: clinical testing. Allele origin: germline.
Comment: This sequence change replaces threonine, which is neutral and polar, with isoleucine, which is neutral and non-polar, at codon 49 of the MYL4 protein (p.Thr49Ile). This variant is not present in population databases (gnomAD no frequency). This variant has not been reported in the literature in individuals affected with MYL4-related conditions. An algorithm developed to predict the effect of missense changes on protein structure and function (PolyPhen-2) suggests that this variant is likely to be tolerated. In summary, the available evidence is currently insufficient to determine the role of this variant in disease. Therefore, it has been classified as a Variant of Uncertain Significance.

NM_002476.2(MYL4):c.146C>T (p.Thr49Ile)

Gene: MYL4 (myosin light chain 4; plus strand). Cytogenetic location: 17q21.32.
Variant type: single nucleotide variant.
Coding change: c.146C>T on transcript NM_002476.2 (MANE Select); coding-DNA position 146, C replaced by T.
Protein change: p.Thr49Ile; replaces threonine 49 with isoleucine.
Molecular consequence: missense variant.
Genome position (GRCh38, 1-based): chr17:47,213,809, C>T. VCF-style: chr17-47213809-C-T. GRCh37 (hg19) VCF-style: chr17-45291175-C-T.
Other names: c.146C>T, p.Thr49Ile (NM_001002841.2); short protein forms T49I.
Identifiers: ClinVar variation 3708199 (VCV003708199.2).